The following is an entry in ClinVar:

ClinVar aggregate classification (germline): Uncertain significance (1 of 4 stars; one submission).

Conditions:
MYH11-related disorder. Also called: MYH11-related condition.

Submission:

PreventionGenetics, part of Exact Sciences
Classification: Uncertain significance for MYH11-related condition. Last evaluated: 2023-05-11. Review status: criteria provided, single submitter. Criteria: ACMG Guidelines, 2015. Collection method: clinical testing. Allele origin: germline.
Comment: The MYH11 c.2519A>C variant is predicted to result in the amino acid substitution p.Gln840Pro. To our knowledge, this variant has not been reported in the literature or in a large population database, indicating this variant is rare. At this time, the clinical significance of this variant is uncertain due to the absence of conclusive functional and genetic evidence.

NM_002474.3(MYH11):c.2498A>C (p.Gln833Pro)

Gene: MYH11 (myosin heavy chain 11; minus strand). Cytogenetic location: 16p13.11.
Variant type: single nucleotide variant.
Coding change: c.2498A>C on transcript NM_002474.3 (MANE Select); coding-DNA position 2498, A replaced by C.
Protein change: p.Gln833Pro; replaces glutamine 833 with proline.
Molecular consequence: missense variant.
Genome position (GRCh38, 1-based): chr16:15,745,151, T>G on the plus strand (A>C on the coding strand, the complement: MYH11 is on the minus strand). VCF-style: chr16-15745151-T-G. GRCh37 (hg19) VCF-style: chr16-15839008-T-G.
Other names: c.2519A>C, p.Gln840Pro (NM_001040113.2, NM_001040114.2); c.2498A>C, p.Gln833Pro (NM_022844.3); short protein forms Q833P, Q840P.
Identifiers: ClinVar variation 2635220 (VCV002635220.1), dbSNP rs2506241585, ClinGen allele CA394866762.